The following is an entry in ClinVar:

ClinVar aggregate classification (germline): Uncertain significance (1 of 4 stars; one submission).

Allele frequency attached by ClinVar (database versions not stated): TOPMed below 0.00001; ExAC 0.00001; gnomAD 0.00001; gnomAD exomes 0.00003.

Submission:

Labcorp Genetics (formerly Invitae), Labcorp
Classification: Uncertain significance. Last evaluated: 2024-12-24. Review status: criteria provided, single submitter. Criteria: Invitae Variant Classification Sherloc (09022015). Collection method: clinical testing. Allele origin: germline.
Comment: This sequence change replaces threonine, which is neutral and polar, with alanine, which is neutral and non-polar, at codon 2447 of the VCAN protein (p.Thr2447Ala). This variant is present in population databases (rs781180178, gnomAD 0.002%). This variant has not been reported in the literature in individuals affected with VCAN-related conditions. ClinVar contains an entry for this variant (Variation ID: 1941692). An algorithm developed to predict the effect of missense changes on protein structure and function (PolyPhen-2) suggests that this variant is likely to be tolerated. In summary, the available evidence is currently insufficient to determine the role of this variant in disease. Therefore, it has been classified as a Variant of Uncertain Significance.

NM_004385.5(VCAN):c.7339A>G (p.Thr2447Ala)

Genes: VCAN (versican; plus strand), VCAN-AS1 (VCAN antisense RNA 1; minus strand). Cytogenetic location: 5q14.3.
Variant type: single nucleotide variant.
Coding change: c.7339A>G on transcript NM_004385.5 (MANE Select); coding-DNA position 7339, A replaced by G.
Protein change: p.Thr2447Ala; replaces threonine 2447 with alanine.
Molecular consequence: missense variant. On other transcripts: intron variant (2).
Genome position (GRCh38, 1-based): chr5:83,540,342, A>G. VCF-style: chr5-83540342-A-G. GRCh37 (hg19) VCF-style: chr5-82836161-A-G.
Other names: c.4378A>G, p.Thr1460Ala (NM_001164097.2); c.4004-5195A>G (NM_001164098.2); c.1043-5195A>G (NM_001126336.3); short protein forms T1460A, T2447A.
Identifiers: ClinVar variation 1941692 (VCV001941692.5), dbSNP rs781180178, ClinGen allele CA3333614.
Genomic context (GRCh38, chr5:83,540,342, plus strand): 5'-GAACCTTCTGGAGAAGGATCTGGAGAAGTGGATATTGTTGATTCATTTCACACTTCTGCA[A>G]CTACTCAGGCAACCAGACAAGAAAGCAGCACCACATTTGTTTCTGATGGGTCCCTGGAAA-3'
Protein context (NP_004376.2, residues 2437-2457): DIVDSFHTSA[Thr2447Ala]TQATRQESST